The following is an entry in ClinVar:

NM_004727.3(SLC24A1):c.997C>T (p.Pro333Ser)

Gene: SLC24A1 (solute carrier family 24 member 1; plus strand). Cytogenetic location: 15q22.31.
Variant type: single nucleotide variant.
Coding change: c.997C>T on transcript NM_004727.3 (MANE Select); coding-DNA position 997, C replaced by T.
Protein change: p.Pro333Ser; replaces proline 333 with serine.
Molecular consequence: missense variant.
Genome position (GRCh38, 1-based): chr15:65,625,077, C>T. VCF-style: chr15-65625077-C-T. GRCh37 (hg19) VCF-style: chr15-65917415-C-T.
Other names: c.997C>T, p.Pro333Ser (NM_001301031.1, NM_001301032.1, NM_001301033.2); short protein forms P333S.
Identifiers: ClinVar variation 1009128 (VCV001009128.8), dbSNP rs1596307844, ClinGen allele CA392916379.

ClinVar aggregate classification (germline): Uncertain significance (1 of 4 stars; one submission).

Allele frequency attached by ClinVar (database versions not stated): gnomAD 0.00001; TOPMed 0.00001.
gnomAD v4.1: 3 of 1,613,564 alleles (0.00019%); highest among the groups gnomAD compares: African/African-American, 0.004%; no homozygotes.

Submission:

Labcorp Genetics (formerly Invitae), Labcorp
Classification: Uncertain significance. Last evaluated: 2022-06-13. Review status: criteria provided, single submitter. Criteria: Invitae Variant Classification Sherloc (09022015). Collection method: clinical testing. Allele origin: germline.
Comment: In summary, the available evidence is currently insufficient to determine the role of this variant in disease. Therefore, it has been classified as a Variant of Uncertain Significance. Algorithms developed to predict the effect of missense changes on protein structure and function are either unavailable or do not agree on the potential impact of this missense change (SIFT: "Tolerated"; PolyPhen-2: "Possibly Damaging"; Align-GVGD: "Class C0"). ClinVar contains an entry for this variant (Variation ID: 1009128). This variant has not been reported in the literature in individuals affected with SLC24A1-related conditions. This variant is not present in population databases (gnomAD no frequency). This sequence change replaces proline, which is neutral and non-polar, with serine, which is neutral and polar, at codon 333 of the SLC24A1 protein (p.Pro333Ser).